The following is an entry in ClinVar:

ClinVar aggregate classification (germline): Uncertain significance (1 of 4 stars; one submission).

Submission:

CeGaT Center for Human Genetics Tuebingen
Classification: Uncertain significance. Last evaluated: 2025-07-01. Review status: criteria provided, single submitter. Criteria: CeGaT Center For Human Genetics Tuebingen Variant Classification Criteria Version 2. Collection method: clinical testing. Allele origin: germline. Affected: yes. Observed: 1 variant allele.
Comment: AMMECR1: PM2, PP3

NM_015365.3(AMMECR1):c.742G>C (p.Gly248Arg)

Gene: AMMECR1 (AMMECR nuclear protein 1; minus strand). Cytogenetic location: Xq23.
Variant type: single nucleotide variant.
Coding change: c.742G>C on transcript NM_015365.3 (MANE Select); coding-DNA position 742, G replaced by C.
Protein change: p.Gly248Arg; replaces glycine 248 with arginine.
Molecular consequence: missense variant.
Genome position (GRCh38, 1-based): chrX:110,202,494, C>G on the plus strand (G>C on the coding strand, the complement: AMMECR1 is on the minus strand). VCF-style: chrX-110202494-C-G. GRCh37 (hg19) VCF-style: chrX-109445722-C-G.
Other names: c.631G>C, p.Gly211Arg (NM_001025580.2); c.373G>C, p.Gly125Arg (NM_001171689.2); short protein forms G125R, G211R, G248R.
Identifiers: ClinVar variation 4085308 (VCV004085308.8).
Genomic context (GRCh38, chrX:110,202,494, plus strand): 5'-TACAACAATGACCTTGCTCCTTTGCAACCTCCGGTAGGTAGGTGGCGGTGCGTTTTGATC[C>G]TTTTTCATTGATGAATTCTATTCTAATGCCATGTACACCCACCTGAAAGAAATTGGCAGT-3'
Protein context (NP_056180.1, residues 238-258): GIRIEFINEK[Gly248Arg]SKRTATYLPE